The following is an entry in ClinVar:

NM_001365951.3(KIF1B):c.796A>C (p.Lys266Gln)

Gene: KIF1B (kinesin family member 1B; plus strand). Cytogenetic location: 1p36.22.
Variant type: single nucleotide variant.
Coding change: c.796A>C on transcript NM_001365951.3 (MANE Select); coding-DNA position 796, A replaced by C.
Protein change: p.Lys266Gln; replaces lysine 266 with glutamine.
Molecular consequence: missense variant.
Genome position (GRCh38, 1-based): chr1:10,271,577, A>C. VCF-style: chr1-10271577-A-C. GRCh37 (hg19) VCF-style: chr1-10331635-A-C.
Other names: c.796A>C, p.Lys266Gln (NM_001365952.1, NM_001365953.1, NM_015074.3 and 1 more transcripts); short protein forms K266Q.
Identifiers: ClinVar variation 4092333 (VCV004092333.1).
Genomic context (GRCh38, chr1:10,271,577, plus strand): 5'-TTGGTGGATCTAGCAGGAAGTGAACGAGCTGATTCAACTGGTGCCAAAGGGACTCGATTA[A>C]AGGTATTTATTTTAGCAAATAAATGGCCTGATCAATAAATGGCCACTACCTGTTTTTGTA-3'
Protein context (NP_001352880.1, residues 256-276): DSTGAKGTRL[Lys266Gln]EGANINKSLT

ClinVar aggregate classification (germline): Uncertain significance (1 of 4 stars; one submission).

Submission:

Ambry Genetics
Classification: Uncertain significance. Last evaluated: 2025-07-03. Review status: criteria provided, single submitter. Criteria: Ambry Variant Classification Scheme 2023. Collection method: clinical testing. Allele origin: germline.
Comment: The p.K266Q variant (also known as c.796A>C), located in coding exon 7 of the KIF1B gene, results from an A to C substitution at nucleotide position 796. The lysine at codon 266 is replaced by glutamine, an amino acid with similar properties. This amino acid position is conserved. In addition, the in silico prediction for this alteration is inconclusive. Based on the available evidence, the clinical significance of this variant remains unclear.